The following is an entry in ClinVar:

ClinVar aggregate classification (germline): Uncertain significance (1 of 4 stars; one submission).

gnomAD v4.1: 70 of 1,613,696 alleles (0.0043%); highest among the groups gnomAD compares: Non-Finnish European, 0.0051%; no homozygotes.

Submission:

Labcorp Genetics (formerly Invitae), Labcorp
Classification: Uncertain significance. Last evaluated: 2022-07-30. Review status: criteria provided, single submitter. Criteria: Invitae Variant Classification Sherloc (09022015). Collection method: clinical testing. Allele origin: germline.
Comment: This sequence change replaces alanine, which is neutral and non-polar, with valine, which is neutral and non-polar, at codon 36 of the C8A protein (p.Ala36Val). This variant is present in population databases (rs116201358, gnomAD 0.004%). This variant has not been reported in the literature in individuals affected with C8A-related conditions. ClinVar contains an entry for this variant (Variation ID: 1036284). Algorithms developed to predict the effect of missense changes on protein structure and function are either unavailable or do not agree on the potential impact of this missense change (SIFT: "Deleterious"; PolyPhen-2: "Benign"; Align-GVGD: "Class C0"). In summary, the available evidence is currently insufficient to determine the role of this variant in disease. Therefore, it has been classified as a Variant of Uncertain Significance.

NM_000562.3(C8A):c.107C>T (p.Ala36Val)

Gene: C8A (complement C8 alpha chain; plus strand). Cytogenetic location: 1p32.2.
Variant type: single nucleotide variant.
Coding change: c.107C>T on transcript NM_000562.3 (MANE Select); coding-DNA position 107, C replaced by T.
Protein change: p.Ala36Val; replaces alanine 36 with valine.
Molecular consequence: missense variant.
Genome position (GRCh38, 1-based): chr1:56,867,638, C>T. VCF-style: chr1-56867638-C-T. GRCh37 (hg19) VCF-style: chr1-57333311-C-T.
Other names: short protein forms A36V.
Identifiers: ClinVar variation 1036284 (VCV001036284.4), dbSNP rs116201358, ClinGen allele CA874921.